The following is an entry in ClinVar:

NM_133433.4(NIPBL):c.2855C>T (p.Ala952Val)

Gene: NIPBL (NIPBL cohesin loading factor; plus strand). Cytogenetic location: 5p13.2.
Variant type: single nucleotide variant.
Coding change: c.2855C>T on transcript NM_133433.4 (MANE Select); coding-DNA position 2855, C replaced by T.
Protein change: p.Ala952Val; replaces alanine 952 with valine.
Molecular consequence: missense variant.
Genome position (GRCh38, 1-based): chr5:36,986,035, C>T. VCF-style: chr5-36986035-C-T. GRCh37 (hg19) VCF-style: chr5-36986137-C-T.
Other names: c.2855C>T, p.Ala952Val (NM_015384.5); short protein forms A952V.
Identifiers: ClinVar variation 3673581 (VCV003673581.2).

ClinVar aggregate classification (germline): Uncertain significance (1 of 4 stars; one submission).

Conditions:
Cornelia de Lange syndrome 1 (CDLS1). Also called: TYPUS DEGENERATIVUS AMSTELODAMENSIS; Brachmann de Lange syndrome; NIPBL-Related Cornelia de Lange Syndrome. Identifiers: Orphanet 199, MedGen C4551851, MONDO:0007387, OMIM 122470.

gnomAD v4.1: 2 of 1,613,586 alleles (0.00012%); highest among the groups gnomAD compares: Non-Finnish European, 0.00017%; no homozygotes.

Submission:

Labcorp Genetics (formerly Invitae), Labcorp
Classification: Uncertain significance for Cornelia de Lange syndrome 1. Last evaluated: 2025-01-17. Review status: criteria provided, single submitter. Criteria: Invitae Variant Classification Sherloc (09022015). Collection method: clinical testing. Allele origin: germline.
Comment: This sequence change replaces alanine, which is neutral and non-polar, with valine, which is neutral and non-polar, at codon 952 of the NIPBL protein (p.Ala952Val). This variant is not present in population databases (gnomAD no frequency). This variant has not been reported in the literature in individuals affected with NIPBL-related conditions. Invitae Evidence Modeling of protein sequence and biophysical properties (such as structural, functional, and spatial information, amino acid conservation, physicochemical variation, residue mobility, and thermodynamic stability) indicates that this missense variant is not expected to disrupt NIPBL protein function with a negative predictive value of 95%. In summary, the available evidence is currently insufficient to determine the role of this variant in disease. Therefore, it has been classified as a Variant of Uncertain Significance.